The following is an entry in ClinVar:

NM_000222.3(KIT):c.2928C>G (p.Val976=)

Gene: KIT (KIT proto-oncogene, receptor tyrosine kinase; plus strand). Cytogenetic location: 4q12.
Variant type: single nucleotide variant.
Coding change: c.2928C>G on transcript NM_000222.3 (MANE Select); coding-DNA position 2928, C replaced by G.
Protein change: p.Val976=; no amino-acid change (valine 976 retained).
Molecular consequence: synonymous variant.
Genome position (GRCh38, 1-based): chr4:54,738,554, C>G. VCF-style: chr4-54738554-C-G. GRCh37 (hg19) VCF-style: chr4-55604720-C-G.
Other names: c.2916C>G, p.Val972= (NM_001093772.2, NM_001385292.1); c.2931C>G, p.Val977= (NM_001385284.1); c.2925C>G, p.Val975= (NM_001385285.1); c.2913C>G, p.Val971= (NM_001385286.1); c.2919C>G, p.Val973= (NM_001385288.1); c.2928C>G, p.Val976= (NM_001385290.1).
Identifiers: ClinVar variation 458938 (VCV000458938.17), dbSNP rs182068450, ClinGen allele CA2923906.
Genomic context (GRCh38, chr4:54,738,554, plus strand): 5'-GATCAATTCTGTCGGCAGCACCGCTTCCTCCTCCCAGCCTCTGCTTGTGCACGACGATGT[C>G]TGAGCAGAATCAGTGTTTGGGTCACCCCTCCAGGAATGATCTCTTCTTTTGGCTTCCATG-3'
Protein context (NP_000213.1, residues 966-976): SSQPLLVHDD[Val976=]

ClinVar aggregate classification (germline): Benign/Likely benign. Review status: criteria provided, multiple submitters, no conflicts (2 of 4 stars). 4 submissions from 4 submitters: Benign (1); Likely benign (3). Last evaluated 2026-06-05.

Conditions:
Hereditary cancer-predisposing syndrome. Also called: Neoplastic Syndromes, Hereditary; Hereditary Cancer Syndrome; Hereditary neoplastic syndrome; Tumor predisposition. Identifiers: Orphanet 140162, MedGen C0027672, MeSH D009386, MONDO:0015356.
Gastrointestinal stromal tumor. Also called: Gastrointestinal stromal tumor, somatic; Gastrointestinal stroma tumor. Identifiers: Orphanet 44890, MedGen C0238198, MeSH D046152, MONDO:0011719, OMIM 606764, HP:0100723.

Allele frequency attached by ClinVar (database versions not stated): gnomAD exomes 0.00001 and 0.00002; TOPMed 0.00001; ExAC 0.00002; gnomAD 0.00003; 1000 Genomes Project 30x 0.00031; 1000 Genomes Project 0.00040.
gnomAD v4.1: 29 of 1,613,984 alleles (0.0018%); highest among the groups gnomAD compares: African/African-American, 0.024%; no homozygotes.

Submissions (4):

Myriad Genetics, Inc.
Classification: Benign for Gastrointestinal stromal tumor. Last evaluated: 2026-06-05. Review status: criteria provided, single submitter. Criteria: Myriad Autosomal Dominant, Autosomal Recessive and X-Linked Classification Criteria (2023). Collection method: clinical testing. Allele origin: unknown.
Comment: This variant is considered benign. This variant is a silent/synonymous amino acid change and it is not expected to impact splicing.

Labcorp Genetics (formerly Invitae), Labcorp
Classification: Likely benign for Gastrointestinal stromal tumor. Last evaluated: 2026-02-04. Review status: criteria provided, single submitter. Criteria: Invitae Variant Classification Sherloc (09022015). Collection method: clinical testing. Allele origin: germline.

Blueprint Genetics
Classification: Likely benign. Last evaluated: 2024-11-11. Review status: criteria provided, single submitter. Criteria: ACMG Guidelines, 2015. Collection method: clinical testing. Allele origin: germline.

Ambry Genetics
Classification: Likely benign for Hereditary cancer-predisposing syndrome. Last evaluated: 2019-09-25. Review status: criteria provided, single submitter. Criteria: Ambry Variant Classification Scheme 2023. Collection method: clinical testing. Allele origin: germline.